The following is an entry in ClinVar:

ClinVar aggregate classification (germline): Pathogenic (1 of 4 stars; one submission).

gnomAD v4.1: 6 of 1,555,020 alleles (0.00039%); highest among the groups gnomAD compares: Middle Eastern, 0.017%; no homozygotes.

Submission:

Labcorp Genetics (formerly Invitae), Labcorp
Classification: Pathogenic. Last evaluated: 2024-07-17. Review status: criteria provided, single submitter. Criteria: Invitae Variant Classification Sherloc (09022015). Collection method: clinical testing. Allele origin: germline.
Comment: This sequence change creates a premature translational stop signal (p.Arg712*) in the CLCN7 gene. It is expected to result in an absent or disrupted protein product. Loss-of-function variants in CLCN7 are known to be pathogenic (PMID: 14584882, 19953639). This variant is not present in population databases (gnomAD no frequency). This premature translational stop signal has been observed in individual(s) with autosomal recessive osteopetrosis (PMID: 19953639). For these reasons, this variant has been classified as Pathogenic.

Literature cited by the submitters: PubMed 14584882; PubMed 19953639.

NM_001287.6(CLCN7):c.2134C>T (p.Arg712Ter)

Gene: CLCN7 (chloride voltage-gated channel 7; minus strand). Cytogenetic location: 16p13.3.
Variant type: single nucleotide variant.
Coding change: c.2134C>T on transcript NM_001287.6 (MANE Select); coding-DNA position 2134, C replaced by T.
Protein change: p.Arg712Ter; replaces arginine 712 with a stop codon.
Molecular consequence: nonsense.
Genome position (GRCh38, 1-based): chr16:1,447,508, G>A on the plus strand (C>T on the coding strand, the complement: CLCN7 is on the minus strand). VCF-style: chr16-1447508-G-A. GRCh37 (hg19) VCF-style: chr16-1497509-G-A.
Other names: c.2062C>T, p.Arg688Ter (NM_001114331.3); short protein forms R712*, R688*.
Identifiers: ClinVar variation 3721941 (VCV003721941.2).